The following is an entry in ClinVar:

NM_000384.3(APOB):c.10621A>G (p.Ile3541Val)

Gene: APOB (apolipoprotein B; minus strand). Cytogenetic location: 2p24.1.
Variant type: single nucleotide variant.
Coding change: c.10621A>G on transcript NM_000384.3 (MANE Select); coding-DNA position 10621, A replaced by G.
Protein change: p.Ile3541Val; replaces isoleucine 3541 with valine.
Molecular consequence: missense variant.
Genome position (GRCh38, 1-based): chr2:21,006,247, T>C on the plus strand (A>G on the coding strand, the complement: APOB is on the minus strand). VCF-style: chr2-21006247-T-C. GRCh37 (hg19) VCF-style: chr2-21229119-T-C.
Other names: short protein forms I3541V.
Identifiers: ClinVar variation 4783987 (VCV004783987.1), dbSNP rs4362589.

ClinVar aggregate classification (germline): Uncertain significance (1 of 4 stars; one submission).

Conditions:
Familial hypobetalipoproteinemia 1. Also called: APOB-Related Familial Hypobetalipoproteinemia; Hypobetalipoproteinemia, normotriglyceridemic; Acanthocytosis with hypobetalipoproteinemia. Identifiers: MedGen C4551990, MONDO:0014252, OMIM 615558.
Hypercholesterolemia, autosomal dominant, type B (FHCL2). Also called: APOB-Related Familial Hypercholesterolemia, Autosomal Dominant; Familial hypercholesterolemia 2; Familial Hypercholesterolemia Type B; APOLIPOPROTEIN B-100, FAMILIAL DEFECTIVE; APOLIPOPROTEIN B-100, FAMILIAL LIGAND-DEFECTIVE; HYPERCHOLESTEROLEMIA, FAMILIAL, DUE TO LIGAND-DEFECTIVE APOLIPOPROTEIN B. Identifiers: MedGen C1704417, MONDO:0007751, OMIM 144010.

Allele frequency attached by ClinVar (database versions not stated): gnomAD exomes below 0.00001; TOPMed below 0.00001; gnomAD 0.00001.
gnomAD v4.1: 8 of 1,613,956 alleles (0.0005%); highest among the groups gnomAD compares: Admixed American, 0.0017%; no homozygotes.

Submission:

Labcorp Genetics (formerly Invitae), Labcorp
Classification: Uncertain significance for Familial hypobetalipoproteinemia 1; Hypercholesterolemia, autosomal dominant, type B. Last evaluated: 2025-08-17. Review status: criteria provided, single submitter. Criteria: Invitae Variant Classification Sherloc (09022015). Collection method: clinical testing. Allele origin: germline.
Comment: This sequence change replaces isoleucine, which is neutral and non-polar, with valine, which is neutral and non-polar, at codon 3541 of the APOB protein (p.Ile3541Val). This variant is present in population databases (no rsID available, gnomAD 0.0009%). This variant has not been reported in the literature in individuals affected with APOB-related conditions. Invitae Evidence Modeling of protein sequence and biophysical properties (such as structural, functional, and spatial information, amino acid conservation, physicochemical variation, residue mobility, and thermodynamic stability) indicates that this missense variant is not expected to disrupt APOB protein function with a negative predictive value of 95%. In summary, the available evidence is currently insufficient to determine the role of this variant in disease. Therefore, it has been classified as a Variant of Uncertain Significance.